The following is an entry in ClinVar:

NM_001042545.2(LTBP4):c.691-18C>T

Genes: LTBP4 (latent transforming growth factor beta binding protein 4; plus strand), LOC130064475 (ATAC-STARR-seq lymphoblastoid silent region 10639; plus strand). Cytogenetic location: 19q13.2.
Variant type: single nucleotide variant.
Coding change: c.691-18C>T on transcript NM_001042545.2 (MANE Select); 18 bases into the intron before coding-DNA position 691, C replaced by T.
Molecular consequence: intron variant.
Genome position (GRCh38, 1-based): chr19:40,605,711, C>T. VCF-style: chr19-40605711-C-T. GRCh37 (hg19) VCF-style: chr19-41111617-C-T.
Other names: c.781-18C>T (NM_003573.2); c.892-18C>T (NM_001042544.1).
Identifiers: ClinVar variation 509691 (VCV000509691.6), dbSNP rs964866317, ClinGen allele CA308447870.

ClinVar aggregate classification (germline): Likely benign. Review status: criteria provided, multiple submitters, no conflicts (2 of 4 stars). 2 submissions from 2 submitters: Likely benign (2). Last evaluated 2025-11-19.

Allele frequency attached by ClinVar (database versions not stated): gnomAD exomes 0.00001; gnomAD 0.00005 and 0.00006; TOPMed 0.00006.
gnomAD v4.1: 15 of 1,547,148 alleles (0.00097%); highest among the groups gnomAD compares: Admixed American, 0.012%; no homozygotes.

Submissions (2):

Labcorp Genetics (formerly Invitae), Labcorp
Classification: Likely benign. Last evaluated: 2025-11-19. Review status: criteria provided, single submitter. Criteria: Invitae Variant Classification Sherloc (09022015). Collection method: clinical testing. Allele origin: germline.

GeneDx
Classification: Likely benign. Last evaluated: 2017-05-26. Review status: criteria provided, single submitter. Criteria: GeneDx Variant Classification (06012015). Collection method: clinical testing. Allele origin: germline. Affected: yes.
Comment: This variant is considered likely benign or benign based on one or more of the following criteria: it is a conservative change, it occurs at a poorly conserved position in the protein, it is predicted to be benign by multiple in silico algorithms, and/or has population frequency not consistent with disease.